The following is an entry in ClinVar:

NM_000264.5(PTCH1):c.1001A>T (p.Tyr334Phe)

Gene: PTCH1 (patched 1; minus strand). Cytogenetic location: 9q22.32.
Variant type: single nucleotide variant.
Coding change: c.1001A>T on transcript NM_000264.5 (MANE Select); coding-DNA position 1001, A replaced by T.
Protein change: p.Tyr334Phe; replaces tyrosine 334 with phenylalanine.
Molecular consequence: missense variant. On other transcripts: non-coding transcript variant (1).
Genome position (GRCh38, 1-based): chr9:95,480,035, T>A on the plus strand (A>T on the coding strand, the complement: PTCH1 is on the minus strand). VCF-style: chr9-95480035-T-A. GRCh37 (hg19) VCF-style: chr9-98242317-T-A.
Other names: c.803A>T, p.Tyr268Phe (NM_001083602.3); c.998A>T, p.Tyr333Phe (NM_001083603.3); c.548A>T, p.Tyr183Phe (NM_001083604.3, NM_001083605.3, NM_001083606.3 and 1 more transcripts); c.1001A>T, p.Tyr334Phe (NM_001354918.2); short protein forms Y183F, Y334F, Y268F, Y333F.
Identifiers: ClinVar variation 2132990 (VCV002132990.4), dbSNP rs1841406856, ClinGen allele CA374119700.

ClinVar aggregate classification (germline): Uncertain significance (1 of 4 stars; one submission).

Conditions:
Gorlin syndrome. Also called: Basal cell nevus syndrome; Nevoid Basal Cell Carcinoma Syndrome. Identifiers: Orphanet 377, MedGen C0004779, MONDO:0007187.

Submission:

Labcorp Genetics (formerly Invitae), Labcorp
Classification: Uncertain significance for Gorlin syndrome. Last evaluated: 2022-05-02. Review status: criteria provided, single submitter. Criteria: Invitae Variant Classification Sherloc (09022015). Collection method: clinical testing. Allele origin: germline.
Comment: In summary, the available evidence is currently insufficient to determine the role of this variant in disease. Therefore, it has been classified as a Variant of Uncertain Significance. This variant is not present in population databases (gnomAD no frequency). Advanced modeling of protein sequence and biophysical properties (such as structural, functional, and spatial information, amino acid conservation, physicochemical variation, residue mobility, and thermodynamic stability) performed at Invitae indicates that this missense variant is not expected to disrupt PTCH1 protein function. This variant has not been reported in the literature in individuals affected with PTCH1-related conditions. This sequence change replaces tyrosine, which is neutral and polar, with phenylalanine, which is neutral and non-polar, at codon 334 of the PTCH1 protein (p.Tyr334Phe).